The following is an entry in ClinVar:

NM_000059.4(BRCA2):c.1910-300T>C

Gene: BRCA2 (BRCA2 DNA repair associated; plus strand). Cytogenetic location: 13q13.1.
Variant type: single nucleotide variant.
Coding change: c.1910-300T>C on transcript NM_000059.4 (MANE Select); 300 bases into the intron before coding-DNA position 1910, T replaced by C.
Molecular consequence: intron variant.
Genome position (GRCh38, 1-based): chr13:32,335,965, T>C. VCF-style: chr13-32335965-T-C. GRCh37 (hg19) VCF-style: chr13-32910102-T-C.
Other names: IVS 10-300T>C.
Identifiers: ClinVar variation 209686 (VCV000209686.3), dbSNP rs78579727, ClinGen allele CA276655.

ClinVar aggregate classification (germline): Benign. Review status: reviewed by expert panel (3 of 4 stars). 2 submissions from 2 submitters: Benign (1). 1 of the submissions does not count toward it. Last evaluated 2015-01-12.

Conditions:
Breast-ovarian cancer, familial, susceptibility to, 2 (BROVCA2). Also called: BRCA2 Hereditary Breast and Ovarian Cancer. Identifiers: Orphanet 145, MedGen C2675520, MONDO:0012933, OMIM 612555. Disease mechanism: loss of function.

Allele frequency attached by ClinVar (database versions not stated): gnomAD 0.00604 and 0.00661; 1000 Genomes Project 0.00619; 1000 Genomes Project 30x 0.00656; TOPMed 0.00662.
gnomAD v4.1: 908 of 152,276 alleles (0.6%); highest among the groups gnomAD compares: African/African-American, 2.1%; 9 homozygotes.

Submissions (2):

Evidence-based Network for the Interpretation of Germline Mutant Alleles (ENIGMA)
Classification: Benign for Breast-ovarian cancer, familial 2. Last evaluated: 2015-01-12. Review status: reviewed by expert panel. Criteria: ENIGMA BRCA1/2 Classification Criteria (2015). Collection method: curation. Allele origin: germline.
Comment: Class 1 not pathogenic based on frequency >1% in an outbred sampleset. Frequency 0.01626 (African), derived from 1000 genomes (2012-04-30).

GeneDx
Classification: Likely benign. Last evaluated: 2019-10-06. Review status: criteria provided, single submitter. Criteria: GeneDx Variant Classification Process June 2021. Collection method: clinical testing. Allele origin: germline. Affected: yes. Not counted in ClinVar's aggregate classification.